The following is an entry in ClinVar:

ClinVar aggregate classification (germline): Uncertain significance (1 of 4 stars; one submission).

Conditions:
Congenital myopathy. Identifiers: Orphanet 97245, MedGen C0270960, MONDO:0019952.

gnomAD v4.1: 1,541 of 1,608,018 alleles (0.096%); highest among the groups gnomAD compares: Non-Finnish European, 0.11%; 3 homozygotes.

Submission:

Broad Center for Mendelian Genomics, Broad Institute of MIT and Harvard
Classification: Uncertain significance for Congenital myopathy. Last evaluated: 2026-03-05. Review status: criteria provided, single submitter. Criteria: ACMG Guidelines, 2015. Collection method: research. Allele origin: germline. Inheritance: Autosomal recessive inheritance. Study: GREGoR Consortium.
Comment: The c.6502+1G>A variant in COL6A6 has not been previously reported in the literature, but has been identified in 0.1%(1280/1176178} of European chromosomes, including 3 homozygotes, by gnomAD. This variant was identified through WGS analysis in the compound heterozygous state with another VUS in an adult with congenital myopathy and joint contractures by the Broad Institute Rare Genomes Project. This variant occurs within the canonical splice site (+/- 1,2} and is predicted to cause altered splicing leading to an abnormal or absent protein. Although other members of the collagen VI family have been associated with myopathy phenotypes, a role for the COL6A6 gene in human disease has not been established. In summary, the clinical significance of this variant is uncertain.

NM_001102608.3(COL6A6):c.6502+1G>A

Gene: COL6A6 (collagen type VI alpha 6 chain; plus strand). Cytogenetic location: 3q22.1.
Variant type: single nucleotide variant.
Coding change: c.6502+1G>A on transcript NM_001102608.3 (MANE Select); the canonical splice donor site of the intron after coding-DNA position 6502, G replaced by A.
Molecular consequence: splice donor variant.
Genome position (GRCh38, 1-based): chr3:130,662,309, G>A. VCF-style: chr3-130662309-G-A. GRCh37 (hg19) VCF-style: chr3-130381153-G-A.
Other names: NM_001102608.3:c.6502+1G>A.
Identifiers: ClinVar variation 4819578 (VCV004819578.1).